The following is an entry in ClinVar:

ClinVar aggregate classification (germline): Uncertain significance. Review status: criteria provided, multiple submitters, no conflicts (2 of 4 stars). 2 submissions from 2 submitters: Uncertain significance (2). Last evaluated 2025-04-25.

Conditions:
CEP290-related disorder. Also called: CEP290-related condition; CEP290-related disorders. Identifiers: MedGen CN239314.
Meckel-Gruber syndrome. Also called: DYSENCEPHALIA SPLANCHNOCYSTICA; GRUBER SYNDROME; Dysencephalia splachnocystica. Identifiers: Orphanet 564, MedGen C0265215, MONDO:0018921.
Nephronophthisis. Also called: Juvenile Nephronophthisis. Identifiers: Orphanet 655, MedGen C0687120, MONDO:0019005, HP:0000090.
Joubert syndrome. Also called: Familial aplasia of the vermis; JOUBERT-BOLTSHAUSER SYNDROME. Identifiers: Orphanet 475, MedGen C5979921, MONDO:0018772.

Submissions (2):

PreventionGenetics, part of Exact Sciences
Classification: Uncertain significance for CEP290-related condition. Last evaluated: 2025-04-25. Review status: criteria provided, single submitter. Criteria: ACMG Guidelines, 2015. Collection method: clinical testing. Allele origin: germline.
Comment: The CEP290 c.7316T>C variant is predicted to result in the amino acid substitution p.Ile2439Thr. To our knowledge, this variant has not been reported in the literature or in a large population database (gnomAD), indicating this variant is rare. At this time, the clinical significance of this variant is uncertain due to the absence of conclusive functional and genetic evidence.

Labcorp Genetics (formerly Invitae), Labcorp
Classification: Uncertain significance for Joubert syndrome; Meckel-Gruber syndrome; Nephronophthisis. Last evaluated: 2022-06-10. Review status: criteria provided, single submitter. Criteria: Invitae Variant Classification Sherloc (09022015). Collection method: clinical testing. Allele origin: germline.
Comment: This sequence change replaces isoleucine, which is neutral and non-polar, with threonine, which is neutral and polar, at codon 2439 of the CEP290 protein (p.Ile2439Thr). This variant is not present in population databases (gnomAD no frequency). This variant has not been reported in the literature in individuals affected with CEP290-related conditions. Algorithms developed to predict the effect of missense changes on protein structure and function are either unavailable or do not agree on the potential impact of this missense change (SIFT: "Deleterious"; PolyPhen-2: "Probably Damaging"; Align-GVGD: "Class C0"). In summary, the available evidence is currently insufficient to determine the role of this variant in disease. Therefore, it has been classified as a Variant of Uncertain Significance.

NM_025114.4(CEP290):c.7316T>C (p.Ile2439Thr)

Genes: CEP290 (centrosomal protein 290; minus strand), RLIG1 (RNA 5'-phosphate and 3'-OH ligase 1; plus strand). Cytogenetic location: 12q21.32.
Variant type: single nucleotide variant.
Coding change: c.7316T>C on transcript NM_025114.4 (MANE Select); coding-DNA position 7316, T replaced by C.
Protein change: p.Ile2439Thr; replaces isoleucine 2439 with threonine.
Molecular consequence: missense variant. On other transcripts: 3 prime UTR variant (1).
Genome position (GRCh38, 1-based): chr12:88,049,308, A>G on the plus strand (T>C on the coding strand, the complement: CEP290 is on the minus strand). VCF-style: chr12-88049308-A-G. GRCh37 (hg19) VCF-style: chr12-88443085-A-G.
Other names: c.7316T>C (NM_025114.3); c.*886A>G (NM_001009894.3); short protein forms I2439T.
Identifiers: ClinVar variation 1964218 (VCV001964218.3), dbSNP rs2499340359, ClinGen allele CA385972546.